The following is an entry in ClinVar:

NM_198578.4(LRRK2):c.6304G>A (p.Ala2102Thr)

Gene: LRRK2 (leucine rich repeat kinase 2; plus strand). Cytogenetic location: 12q12.
Variant type: single nucleotide variant.
Coding change: c.6304G>A on transcript NM_198578.4 (MANE Select); coding-DNA position 6304, G replaced by A.
Protein change: p.Ala2102Thr; replaces alanine 2102 with threonine.
Molecular consequence: missense variant.
Genome position (GRCh38, 1-based): chr12:40,348,432, G>A. VCF-style: chr12-40348432-G-A. GRCh37 (hg19) VCF-style: chr12-40742234-G-A.
Other names: short protein forms A2102T.
Identifiers: ClinVar variation 1752748 (VCV001752748.3), dbSNP rs1565770742, ClinGen allele CA384406008.

ClinVar aggregate classification (germline): Uncertain significance (1 of 4 stars; one submission).

Conditions:
Inborn genetic diseases. Identifiers: MedGen C0950123, MeSH D030342.

gnomAD v4.1: 3 of 1,611,598 alleles (0.00019%); highest among the groups gnomAD compares: Non-Finnish European, 0.000085%; no homozygotes.

Submission:

Ambry Genetics
Classification: Uncertain significance for Inborn genetic diseases. Last evaluated: 2024-06-14. Review status: criteria provided, single submitter. Criteria: Ambry Variant Classification Scheme 2023. Collection method: clinical testing. Allele origin: germline.
Comment: The p.A2102T variant (also known as c.6304G>A), located in coding exon 43 of the LRRK2 gene, results from a G to A substitution at nucleotide position 6304. The alanine at codon 2102 is replaced by threonine, an amino acid with similar properties. This amino acid position is conserved. In addition, this alteration is predicted to be tolerated by in silico analysis. Since supporting evidence is limited at this time, the clinical significance of this alteration remains unclear.